The following is an entry in ClinVar:

NM_001793.6(CDH3):c.2147C>T (p.Thr716Ile)

Gene: CDH3 (cadherin 3; plus strand). Cytogenetic location: 16q22.1.
Variant type: single nucleotide variant.
Coding change: c.2147C>T on transcript NM_001793.6 (MANE Select); coding-DNA position 2147, C replaced by T.
Protein change: p.Thr716Ile; replaces threonine 716 with isoleucine.
Molecular consequence: missense variant.
Genome position (GRCh38, 1-based): chr16:68,695,790, C>T. VCF-style: chr16-68695790-C-T. GRCh37 (hg19) VCF-style: chr16-68729693-C-T.
Other names: c.2147C>T, p.Thr716Ile (NM_001317195.3); c.1982C>T, p.Thr661Ile (NM_001317196.2); short protein forms T661I, T716I.
Identifiers: ClinVar variation 1002133 (VCV001002133.8), dbSNP rs546660583, ClinGen allele CA8129599.

ClinVar aggregate classification (germline): Uncertain significance (1 of 4 stars; one submission).

Allele frequency attached by ClinVar (database versions not stated): gnomAD 0.00001; gnomAD exomes 0.00001; TOPMed 0.00001; ExAC 0.00002; 1000 Genomes Project 30x 0.00016; 1000 Genomes Project 0.00020.
gnomAD v4.1: 5 of 1,614,124 alleles (0.00031%); highest among the groups gnomAD compares: Admixed American, 0.0033%; no homozygotes.

Submission:

Labcorp Genetics (formerly Invitae), Labcorp
Classification: Uncertain significance. Last evaluated: 2022-10-05. Review status: criteria provided, single submitter. Criteria: Invitae Variant Classification Sherloc (09022015). Collection method: clinical testing. Allele origin: germline.
Comment: In summary, the available evidence is currently insufficient to determine the role of this variant in disease. Therefore, it has been classified as a Variant of Uncertain Significance. Advanced modeling of protein sequence and biophysical properties (such as structural, functional, and spatial information, amino acid conservation, physicochemical variation, residue mobility, and thermodynamic stability) performed at Invitae indicates that this missense variant is not expected to disrupt CDH3 protein function. ClinVar contains an entry for this variant (Variation ID: 1002133). This variant has not been reported in the literature in individuals affected with CDH3-related conditions. This variant is present in population databases (rs546660583, gnomAD 0.006%). This sequence change replaces threonine, which is neutral and polar, with isoleucine, which is neutral and non-polar, at codon 716 of the CDH3 protein (p.Thr716Ile).